The following is an entry in ClinVar:

ClinVar aggregate classification (germline): Uncertain significance (1 of 4 stars; one submission).

Conditions:
Inborn genetic diseases. Identifiers: MedGen C0950123, MeSH D030342.

Submission:

Ambry Genetics
Classification: Uncertain significance for Inborn genetic diseases. Last evaluated: 2022-03-20. Review status: criteria provided, single submitter. Criteria: Ambry Variant Classification Scheme 2023. Collection method: clinical testing. Allele origin: germline.
Comment: The p.D1863V variant (also known as c.5588A>T), located in coding exon 38 of the LRRK2 gene, results from an A to T substitution at nucleotide position 5588. The aspartic acid at codon 1863 is replaced by valine, an amino acid with highly dissimilar properties. This amino acid position is conserved. In addition, this alteration is predicted to be deleterious by in silico analysis. Since supporting evidence is limited at this time, the clinical significance of this alteration remains unclear.

NM_198578.4(LRRK2):c.5588A>T (p.Asp1863Val)

Gene: LRRK2 (leucine rich repeat kinase 2; plus strand). Cytogenetic location: 12q12.
Variant type: single nucleotide variant.
Coding change: c.5588A>T on transcript NM_198578.4 (MANE Select); coding-DNA position 5588, A replaced by T.
Protein change: p.Asp1863Val; replaces aspartic acid 1863 with valine.
Molecular consequence: missense variant.
Genome position (GRCh38, 1-based): chr12:40,323,238, A>T. VCF-style: chr12-40323238-A-T. GRCh37 (hg19) VCF-style: chr12-40717040-A-T.
Other names: short protein forms D1863V.
Identifiers: ClinVar variation 1748451 (VCV001748451.2), dbSNP rs2499889076, ClinGen allele CA384421115.